The following is an entry in ClinVar:

NM_000719.7(CACNA1C):c.4519G>A (p.Glu1507Lys)

Gene: CACNA1C (calcium voltage-gated channel subunit alpha1 C; plus strand). Cytogenetic location: 12p13.33.
Variant type: single nucleotide variant.
Coding change: c.4519G>A on transcript NM_000719.7 (MANE Select); coding-DNA position 4519, G replaced by A.
Protein change: p.Glu1507Lys; replaces glutamic acid 1507 with lysine.
Molecular consequence: missense variant.
Genome position (GRCh38, 1-based): chr12:2,665,701, G>A. VCF-style: chr12-2665701-G-A. GRCh37 (hg19) VCF-style: chr12-2774867-G-A.
Other names: c.4663G>A, p.Glu1555Lys (NM_001129827.2, NM_199460.4); c.4585G>A, p.Glu1529Lys (NM_001129829.2); c.4519G>A, p.Glu1507Lys (NM_001129830.3, NM_001129833.2, NM_001129834.2 and 7 more transcripts); c.4603G>A, p.Glu1535Lys (NM_001129831.2); c.4579G>A, p.Glu1527Lys (NM_001129832.2); c.4570G>A, p.Glu1524Lys (NM_001129836.2); c.4486G>A, p.Glu1496Lys (NM_001129837.2, NM_001129838.2, NM_001129846.2 and 1 more transcripts); c.4480G>A, p.Glu1494Lys (NM_001129839.2); and 1 more; short protein forms E1494K, E1496K, E1507K, E1535K, E1504K, E1527K, E1524K, E1529K.
Identifiers: ClinVar variation 2907266 (VCV002907266.3), dbSNP rs1555997670, ClinGen allele CA383376376.

ClinVar aggregate classification (germline): Uncertain significance (1 of 4 stars; one submission).

Conditions:
Long QT syndrome (LQTS). Identifiers: MedGen C0023976, MeSH D008133, MONDO:0002442. Disease mechanism: loss of function. Inheritance: Various modes of inheritance.

Submission:

Labcorp Genetics (formerly Invitae), Labcorp
Classification: Uncertain significance for Long QT syndrome. Last evaluated: 2023-10-03. Review status: criteria provided, single submitter. Criteria: Invitae Variant Classification Sherloc (09022015). Collection method: clinical testing. Allele origin: germline.
Comment: This sequence change replaces glutamic acid, which is acidic and polar, with lysine, which is basic and polar, at codon 1507 of the CACNA1C protein (p.Glu1507Lys). This variant is not present in population databases (gnomAD no frequency). This variant has not been reported in the literature in individuals affected with CACNA1C-related conditions. Advanced modeling of protein sequence and biophysical properties (such as structural, functional, and spatial information, amino acid conservation, physicochemical variation, residue mobility, and thermodynamic stability) performed at Invitae indicates that this missense variant is expected to disrupt CACNA1C protein function. In summary, the available evidence is currently insufficient to determine the role of this variant in disease. Therefore, it has been classified as a Variant of Uncertain Significance.